The following is an entry in ClinVar:

ClinVar aggregate classification (germline): Pathogenic (1 of 4 stars; one submission).

Submission:

Labcorp Genetics (formerly Invitae), Labcorp
Classification: Pathogenic. Last evaluated: 2022-01-05. Review status: criteria provided, single submitter. Criteria: Invitae Variant Classification Sherloc (09022015). Collection method: clinical testing. Allele origin: germline.
Comment: For these reasons, this variant has been classified as Pathogenic. This variant has not been reported in the literature in individuals affected with CLTC-related conditions. This variant is not present in population databases (gnomAD no frequency). This sequence change creates a premature translational stop signal (p.Gln406*) in the CLTC gene. It is expected to result in an absent or disrupted protein product. Loss-of-function variants in CLTC are known to be pathogenic (PMID: 29100083).

Literature cited by the submitters: PubMed 29100083.

NM_004859.4(CLTC):c.1204C>T (p.Gln402Ter)

Gene: CLTC (clathrin heavy chain; plus strand). Cytogenetic location: 17q23.1.
Variant type: single nucleotide variant.
Coding change: c.1204C>T on transcript NM_004859.4 (MANE Select); coding-DNA position 1204, C replaced by T.
Protein change: p.Gln402Ter; replaces glutamine 402 with a stop codon.
Molecular consequence: nonsense.
Genome position (GRCh38, 1-based): chr17:59,661,479, C>T. VCF-style: chr17-59661479-C-T. GRCh37 (hg19) VCF-style: chr17-57738840-C-T.
Other names: c.1216C>T, p.Gln406Ter (NM_001288653.2); short protein forms Q406*, Q402*.
Identifiers: ClinVar variation 2065917 (VCV002065917.4), dbSNP rs2509378628, ClinGen allele CA400424328.